The following is an entry in ClinVar:

ClinVar aggregate classification (germline): Uncertain significance (1 of 4 stars; one submission).

Submission:

GeneDx
Classification: Uncertain significance. Last evaluated: 2023-12-26. Review status: criteria provided, single submitter. Criteria: GeneDx Variant Classification Process June 2021. Collection method: clinical testing. Allele origin: germline. Affected: yes.
Comment: Not observed at significant frequency in large population cohorts (gnomAD); In silico analysis supports that this missense variant does not alter protein structure/function; Has not been previously published as pathogenic or benign to our knowledge

NM_004380.3(CREBBP):c.7217G>A (p.Ser2406Asn)

Gene: CREBBP (CREB binding protein; minus strand). Cytogenetic location: 16p13.3.
Variant type: single nucleotide variant.
Coding change: c.7217G>A on transcript NM_004380.3 (MANE Select); coding-DNA position 7217, G replaced by A.
Protein change: p.Ser2406Asn; replaces serine 2406 with asparagine.
Molecular consequence: missense variant.
Genome position (GRCh38, 1-based): chr16:3,727,830, C>T on the plus strand (G>A on the coding strand, the complement: CREBBP is on the minus strand). VCF-style: chr16-3727830-C-T. GRCh37 (hg19) VCF-style: chr16-3777831-C-T.
Other names: c.7103G>A, p.Ser2368Asn (NM_001079846.1); short protein forms S2368N, S2406N.
Identifiers: ClinVar variation 3369971 (VCV003369971.1).
Genomic context (GRCh38, chr16:3,727,830, plus strand): 5'-AGGGACAGTTCGCTGGACAGCGCACTCCTGCTGGGGGTGTTCAGCTGGGGGAGCATTGCA[C>T]TCTGTTCGGGGTTCCCCAAGTGTCCCTGATCTATGGAGCTGGCCATGGTGACTGCGAGTC-3'
Protein context (NP_004371.2, residues 2396-2416): DQGHLGNPEQ[Ser2406Asn]AMLPQLNTPS